The following is an entry in ClinVar:

NM_206933.4(USH2A):c.12940G>A (p.Val4314Met)

Gene: USH2A (usherin; minus strand). Cytogenetic location: 1q41.
Variant type: single nucleotide variant.
Coding change: c.12940G>A on transcript NM_206933.4 (MANE Select); coding-DNA position 12940, G replaced by A.
Protein change: p.Val4314Met; replaces valine 4314 with methionine.
Molecular consequence: missense variant.
Genome position (GRCh38, 1-based): chr1:215,674,971, C>T on the plus strand (G>A on the coding strand, the complement: USH2A is on the minus strand). VCF-style: chr1-215674971-C-T. GRCh37 (hg19) VCF-style: chr1-215848313-C-T.
Other names: c.12940G>A (NM_206933.2); short protein forms V4314M.
Identifiers: ClinVar variation 2078003 (VCV002078003.5), dbSNP rs374654481, ClinGen allele CA1393384.
Genomic context (GRCh38, chr1:215,674,971, plus strand): 5'-GGAGTGCATAGCTATAGGTGGAAAAAGGAAGAAGCTCTTCATCAGTGTAATTGAAAGTCA[C>T]AGGATCAAAGCTAAAAGGATAGAGCATTTCATTCCTTTGAAGCCTATAGGACTGGATAAT-3'
Protein context (NP_996816.3, residues 4304-4324): EMLYPFSFDP[Val4314Met]TFNYTDEELL

ClinVar aggregate classification (germline): Uncertain significance. Review status: criteria provided, multiple submitters, no conflicts (2 of 4 stars). 6 submissions from 5 submitters: Uncertain significance (6). Last evaluated 2024-04-01.

Conditions:
Inborn genetic diseases. Identifiers: MedGen C0950123, MeSH D030342.
Usher syndrome type 2A. Also called: RETINAL DISEASE IN USHER SYNDROME TYPE IIA, MODIFIER OF; USHER SYNDROME, TYPE IIA. Identifiers: Orphanet 231178, Orphanet 886, MedGen C1848634, MONDO:0010169, OMIM 276901.
Retinitis pigmentosa 39 (RP39). Identifiers: Orphanet 791, MedGen C3151138, MONDO:0013436, OMIM 613809.

Allele frequency attached by ClinVar (database versions not stated): ESP Exome Variant Server 0.00008; TOPMed 0.00008; gnomAD exomes below 0.00001; ExAC 0.00001; gnomAD 0.00005.
gnomAD v4.1: 10 of 1,614,054 alleles (0.00062%); highest among the groups gnomAD compares: African/African-American, 0.013%; no homozygotes.

Submissions (6):

Ambry Genetics
Classification: Uncertain significance for Inborn genetic diseases. Last evaluated: 2024-04-01. Review status: criteria provided, single submitter. Criteria: Ambry Variant Classification Scheme 2023. Collection method: clinical testing. Allele origin: germline.

Genome-Nilou Lab
Classification: Uncertain significance for Retinitis pigmentosa 39. Last evaluated: 2023-11-04. Review status: criteria provided, single submitter. Criteria: ACMG Guidelines, 2015. Collection method: clinical testing. Allele origin: germline. Affected: no.

Genome-Nilou Lab
Classification: Uncertain significance for Usher syndrome type 2A. Last evaluated: 2023-11-04. Review status: criteria provided, single submitter. Criteria: ACMG Guidelines, 2015. Collection method: clinical testing. Allele origin: germline. Affected: no.

GeneDx
Classification: Uncertain significance. Last evaluated: 2022-10-27. Review status: criteria provided, single submitter. Criteria: GeneDx Variant Classification Process June 2021. Collection method: clinical testing. Allele origin: germline. Affected: yes.
Comment: In silico analysis supports that this missense variant does not alter protein structure/function; Has not been previously published as pathogenic or benign to our knowledge

Labcorp Genetics (formerly Invitae), Labcorp
Classification: Uncertain significance. Last evaluated: 2022-02-03. Review status: criteria provided, single submitter. Criteria: Invitae Variant Classification Sherloc (09022015). Collection method: clinical testing. Allele origin: germline.
Comment: This sequence change replaces valine, which is neutral and non-polar, with methionine, which is neutral and non-polar, at codon 4314 of the USH2A protein (p.Val4314Met). This variant is present in population databases (rs374654481, gnomAD 0.02%). This variant has not been reported in the literature in individuals affected with USH2A-related conditions. Algorithms developed to predict the effect of missense changes on protein structure and function output the following: SIFT: "Tolerated"; PolyPhen-2: "Benign"; Align-GVGD: "Class C0". The methionine amino acid residue is found in multiple mammalian species, which suggests that this missense change does not adversely affect protein function. In summary, the available evidence is currently insufficient to determine the role of this variant in disease. Therefore, it has been classified as a Variant of Uncertain Significance.

Blueprint Genetics
Classification: Uncertain significance. Last evaluated: 2018-08-14. Review status: criteria provided, single submitter. Criteria: ACMG Guidelines, 2015. Collection method: clinical testing. Allele origin: germline.